The following is an entry in ClinVar:

NM_000062.3(SERPING1):c.551-155A>G

Gene: SERPING1 (serpin family G member 1; plus strand). Cytogenetic location: 11q12.1.
Variant type: single nucleotide variant.
Coding change: c.551-155A>G on transcript NM_000062.3 (MANE Select); 155 bases into the intron before coding-DNA position 551, A replaced by G.
Molecular consequence: intron variant.
Genome position (GRCh38, 1-based): chr11:57,601,880, A>G. VCF-style: chr11-57601880-A-G. GRCh37 (hg19) VCF-style: chr11-57369353-A-G.
Other names: c.551-155A>G (NM_001032295.2).
Identifiers: ClinVar variation 983243 (VCV000983243.5), dbSNP rs2936694, ClinGen allele CA223054612.
Genomic context (GRCh38, chr11:57,601,880, plus strand): 5'-CATTCCAGCCTGGGCAACAAAGCAAGACTCTGTCTCAAAAAAAAAAAAAAAAAAAAAAAA[A>G]AGAGAGATTGAGAGAACACTTCCAGCTCAGATGATCTGTGATCCCCTCCAAAGCAGGGAA-3'

ClinVar aggregate classification (germline): Benign. Review status: criteria provided, multiple submitters, no conflicts (2 of 4 stars). 3 submissions from 3 submitters: Benign (3). Last evaluated 2021-05-14.

Conditions:
Hereditary angioedema type 1 (HAE1). Identifiers: Orphanet 100050, Orphanet 100051, Orphanet 91378, MedGen C2717906, MONDO:0015053, OMIM 106100.

Allele frequency attached by ClinVar (database versions not stated): gnomAD 0.39893 and 0.40437.

Submissions (3):

GeneDx
Classification: Benign. Last evaluated: 2021-05-14. Review status: criteria provided, single submitter. Criteria: GeneDx Variant Classification Process June 2021. Collection method: clinical testing. Allele origin: germline. Affected: yes.

Breakthrough Genomics
Classification: Benign. Review status: criteria provided, single submitter. Criteria: ACMG Guidelines, 2015. Collection method: not provided. Allele origin: germline. Inheritance: Autosomal recessive inheritance. Affected: yes.

CeMIA
Classification: Benign for Hereditary angioedema type 1. Review status: criteria provided, single submitter. Criteria: ACMG Guidelines, 2015. Collection method: clinical testing. Allele origin: germline. Affected: yes.
Comment: This variant is considered likely benign or benign based on one or more of the following criteria: allele frequency is >5% in Exome Sequencing Project, 1000 Genomes Project, or Exome Aggregation Consortium (BA1), allele frequency is greater than expected for disorder (BS1), it is observed in a healthy adult individual (BS2), it is predicted to be benign by multiple in silico algorithms (BP4), it is found in a case with an alternate molecular basis for the disease (BP5) and/or reputable source recently reports variant as benign (BP6).

Literature cited by the submitters: PubMed 31959500 (cited by CeMIA).